The following is an entry in ClinVar:

ClinVar aggregate classification (germline): Uncertain significance (1 of 4 stars; one submission).

Submission:

Ambry Genetics
Classification: Uncertain significance. Last evaluated: 2025-06-24. Review status: criteria provided, single submitter. Criteria: Ambry Variant Classification Scheme 2023. Collection method: clinical testing. Allele origin: germline.
Comment: The p.G1419R variant (also known as c.4255G>C), located in coding exon 19 of the WNK2 gene, results from a G to C substitution at nucleotide position 4255. The glycine at codon 1419 is replaced by arginine, an amino acid with dissimilar properties. This amino acid position is conserved. In addition, this alteration is predicted to be tolerated by in silico analysis. Based on the available evidence, the clinical significance of this variant remains unclear.

NM_006648.4(WNK2):c.4255G>C (p.Gly1419Arg)

Gene: WNK2 (WNK lysine deficient protein kinase 2; plus strand). Cytogenetic location: 9q22.31.
Variant type: single nucleotide variant.
Coding change: c.4255G>C on transcript NM_006648.4 (MANE Select); coding-DNA position 4255, G replaced by C.
Protein change: p.Gly1419Arg; replaces glycine 1419 with arginine.
Molecular consequence: missense variant.
Genome position (GRCh38, 1-based): chr9:93,289,009, G>C. VCF-style: chr9-93289009-G-C. GRCh37 (hg19) VCF-style: chr9-96051291-G-C.
Other names: c.4366G>C, p.Gly1456Arg (NM_001282394.3); short protein forms G1419R, G1456R.
Identifiers: ClinVar variation 4201556 (VCV004201556.1).